The following is an entry in ClinVar:

NM_001282225.2(ADA2):c.973-69C>G

Gene: ADA2 (adenosine deaminase 2; minus strand). Cytogenetic location: 22q11.1.
Variant type: single nucleotide variant.
Coding change: c.973-69C>G on transcript NM_001282225.2 (MANE Select); 69 bases into the intron before coding-DNA position 973, C replaced by G.
Molecular consequence: intron variant.
Genome position (GRCh38, 1-based): chr22:17,188,516, G>C on the plus strand (C>G on the coding strand, the complement: ADA2 is on the minus strand). VCF-style: chr22-17188516-G-C. GRCh37 (hg19) VCF-style: chr22-17669406-G-C.
Other names: c.847-69C>G (NM_001282227.2, NM_001282228.2); c.613-69C>G (NM_001282229.2); c.973-69C>G (NM_001282226.2); c.250-69C>G (NM_177405.3).
Identifiers: ClinVar variation 1181140 (VCV001181140.5), dbSNP rs9619005, ClinGen allele CA14933632.

ClinVar aggregate classification (germline): Benign. Review status: criteria provided, multiple submitters, no conflicts (2 of 4 stars). 3 submissions from 3 submitters: Benign (3). Last evaluated 2023-11-12.

Allele frequency attached by ClinVar (database versions not stated): 1000 Genomes Project 0.56310; 1000 Genomes Project 30x 0.56996; TOPMed 0.66448; gnomAD 0.67846 and 0.68562; gnomAD exomes 0.70501.
gnomAD v4.1: 716,287 of 1,021,856 alleles (70%); highest among the groups gnomAD compares: Middle Eastern, 78%; 256,680 homozygotes.

Submissions (3):

Unidad de Genómica Garrahan, Hospital de Pediatría Garrahan
Classification: Benign. Last evaluated: 2023-11-12. Review status: criteria provided, single submitter. Criteria: ACMG Guidelines, 2015. Collection method: clinical testing. Allele origin: germline. Affected: no. Observed: 63 variant alleles.
Comment: This variant is classified as Benign based on local population frequency. This variant was detected in 66% of patients studied by a panel of primary immunodeficiencies. Number of patients: 63. Only high quality variants are reported.

GeneDx
Classification: Benign. Last evaluated: 2021-05-10. Review status: criteria provided, single submitter. Criteria: GeneDx Variant Classification Process June 2021. Collection method: clinical testing. Allele origin: germline. Affected: yes.

Breakthrough Genomics
Classification: Benign. Review status: criteria provided, single submitter. Criteria: ACMG Guidelines, 2015. Collection method: not provided. Allele origin: germline. Inheritance: Autosomal recessive inheritance. Affected: yes.